The following is an entry in ClinVar:

NM_001204.7(BMPR2):c.-93A>G

Gene: BMPR2 (bone morphogenetic protein receptor type 2; plus strand). Cytogenetic location: 2q33.1.
Variant type: single nucleotide variant.
Coding change: c.-93A>G on transcript NM_001204.7 (MANE Select); 93 bases upstream of the start codon, A replaced by G.
Molecular consequence: 5 prime UTR variant.
Genome position (GRCh38, 1-based): chr2:202,377,382, A>G. VCF-style: chr2-202377382-A-G. GRCh37 (hg19) VCF-style: chr2-203242105-A-G.
Other names: c.-93A>G (LRG_712t1).
Identifiers: ClinVar variation 333636 (VCV000333636.8), dbSNP rs147936167, ClinGen allele CA10613575.

ClinVar aggregate classification (germline): Likely benign. Review status: reviewed by expert panel (3 of 4 stars). 4 submissions from 4 submitters: Likely benign (1). 3 of the submissions do not count toward it. Last evaluated 2024-04-30.

Conditions:
Pulmonary arterial hypertension. Identifiers: Orphanet 182090, MedGen C2973725, MeSH D000081029, MONDO:0015924, HP:0002092.
Pulmonary hypertension, primary, 1 (PPH1). Also called: Pulmonary hypertension, familial primary, 1, with or without HHT. Identifiers: Orphanet 422, MedGen C4552070, MONDO:0024533, OMIM 178600.

Allele frequency attached by ClinVar (database versions not stated): gnomAD 0.00019 and 0.00031; gnomAD exomes 0.00030; TOPMed 0.00044; 1000 Genomes Project 0.00140; 1000 Genomes Project 30x 0.00141.
gnomAD v4.1: 358 of 1,220,970 alleles (0.029%); highest among the groups gnomAD compares: East Asian, 0.74%; no homozygotes.

Submissions (4):

Clingen Pulmonary Hypertension Variant Curation Expert Panel, ClinGen
Classification: Likely benign for Pulmonary arterial hypertension. Last evaluated: 2024-04-30. Review status: reviewed by expert panel. Criteria: ClinGen PH ACMG Specifications BMPR2 V1.1.0. Collection method: curation. Allele origin: germline. Inheritance: Autosomal dominant inheritance.
Comment: The BMPR2 NM_001204.7(BMPR2):c.-93A>G variant is a 5' UTR variant. The highest population minor allele frequency in gnomAD v2.1.1 controls is 0.006608 (6/908 alleles) in the East Asian population, which is higher than the ClinGen Pulmonary Hypertension VCEP threshold of >0.1% for BS1, and therefore meets this criterion (BS1). No functional data was available for review and multiple lines of computational evidence suggest no impact on the gene (BP4). No other criteria were met. In summary, the variant meets the criteria to be classified as likely benign for pulmonary arterial hypertension based on the ACMG/AMP criteria applied, as specified by the ClinGen Pulmonary Hypertension VCEP: BS1, BP4 [VCEP specification version 1.1, 1/18/2024].

Blueprint Genetics
Classification: Likely benign. Last evaluated: 2024-11-20. Review status: criteria provided, single submitter. Criteria: ACMG Guidelines, 2015. Collection method: clinical testing. Allele origin: germline. Not counted in ClinVar's aggregate classification.

Illumina Laboratory Services, Illumina
Classification: Benign for Pulmonary hypertension, primary, 1. Last evaluated: 2018-01-12. Review status: criteria provided, single submitter. Criteria: ICSL Variant Classification Criteria 13 December 2019. Collection method: clinical testing. Allele origin: germline. Not counted in ClinVar's aggregate classification.
Comment: This variant was observed in the ICSL laboratory as part of a predisposition screen in an ostensibly healthy population. It had not been previously curated by ICSL or reported in the Human Gene Mutation Database (HGMD: prior to June 1st, 2018), and was therefore a candidate for classification through an automated scoring system. Utilizing variant allele frequency, disease prevalence and penetrance estimates, and inheritance mode, an automated score was calculated to assess if this variant is too frequent to cause the disease. Based on the score and internal cut-off values, a variant classified as benign is not then subjected to further curation. The score for this variant resulted in a classification of benign for this disease.

Institute of Human Genetics, University of Wuerzburg
Classification: Uncertain significance for Pulmonary arterial hypertension. Review status: no assertion criteria provided. Collection method: clinical testing. Allele origin: unknown. Affected: yes. Observed: 1 variant allele. Not counted in ClinVar's aggregate classification.